The following is an entry in ClinVar:

ClinVar aggregate classification (germline): Benign (1 of 4 stars; one submission).

Conditions:
Familial cancer of breast. Also called: BREAST CANCER, FAMILIAL; Hereditary breast cancer; hereditary breast carcinoma. Identifiers: Orphanet 227535, MedGen C0346153, MONDO:0016419, OMIM 114480. Disease mechanism: loss of function.

Allele frequency attached by ClinVar (database versions not stated): gnomAD exomes below 0.00001.

Submission:

Myriad Genetics, Inc.
Classification: Benign for Familial cancer of breast. Last evaluated: 2024-05-10. Review status: criteria provided, single submitter. Criteria: Myriad Autosomal Dominant, Autosomal Recessive and X-Linked Classification Criteria (2023). Collection method: clinical testing. Allele origin: unknown.
Comment: This variant is considered benign. This variant is a silent/synonymous amino acid change and it is not expected to impact splicing.

NM_000051.4(ATM):c.2904A>G (p.Glu968=)

Gene: ATM (ATM serine/threonine kinase; plus strand). Cytogenetic location: 11q22.3.
Variant type: single nucleotide variant.
Coding change: c.2904A>G on transcript NM_000051.4 (MANE Select); coding-DNA position 2904, A replaced by G.
Protein change: p.Glu968=; no amino-acid change (glutamic acid 968 retained).
Molecular consequence: synonymous variant.
Genome position (GRCh38, 1-based): chr11:108,271,129, A>G. VCF-style: chr11-108271129-A-G. GRCh37 (hg19) VCF-style: chr11-108141856-A-G.
Other names: c.2904A>G, p.Glu968= (NM_001351834.2).
Identifiers: ClinVar variation 3253881 (VCV003253881.1), dbSNP rs2135548632.